The following is an entry in ClinVar:

NM_001378454.1(ALMS1):c.8068C>G (p.Pro2690Ala)

Gene: ALMS1 (ALMS1 centrosome and basal body associated protein; plus strand). Cytogenetic location: 2p13.1.
Variant type: single nucleotide variant.
Coding change: c.8068C>G on transcript NM_001378454.1 (MANE Select); coding-DNA position 8068, C replaced by G.
Protein change: p.Pro2690Ala; replaces proline 2690 with alanine.
Molecular consequence: missense variant.
Genome position (GRCh38, 1-based): chr2:73,490,027, C>G. VCF-style: chr2-73490027-C-G. GRCh37 (hg19) VCF-style: chr2-73717154-C-G.
Other names: c.8071C>G, p.Pro2691Ala (NM_015120.4); short protein forms P2691A, P2690A.
Identifiers: ClinVar variation 2192366 (VCV002192366.4), dbSNP rs868395190, ClinGen allele CA347267269.

ClinVar aggregate classification (germline): Uncertain significance (1 of 4 stars; one submission).

Conditions:
Alstrom syndrome (ALMS). Identifiers: Orphanet 64, MedGen C0268425, MONDO:0008763, OMIM 203800.

Submission:

Labcorp Genetics (formerly Invitae), Labcorp
Classification: Uncertain significance for Alstrom syndrome. Last evaluated: 2022-11-08. Review status: criteria provided, single submitter. Criteria: Invitae Variant Classification Sherloc (09022015). Collection method: clinical testing. Allele origin: germline.
Comment: In summary, the available evidence is currently insufficient to determine the role of this variant in disease. Therefore, it has been classified as a Variant of Uncertain Significance. Experimental studies and prediction algorithms are not available or were not evaluated, and the functional significance of this variant is currently unknown. This variant has not been reported in the literature in individuals affected with ALMS1-related conditions. This variant is not present in population databases (gnomAD no frequency). This sequence change replaces proline, which is neutral and non-polar, with alanine, which is neutral and non-polar, at codon 2691 of the ALMS1 protein (p.Pro2691Ala).